The following is an entry in ClinVar:

ClinVar aggregate classification (germline): Benign (0 of 4 stars; one submission).

Conditions:
FSIP2-related disorder. Also called: FSIP2-related condition.

Allele frequency attached by ClinVar (database versions not stated): TOPMed 0.53200; 1000 Genomes Project 30x 0.53904; 1000 Genomes Project 0.54014; gnomAD 0.54463; ExAC 0.58681.
gnomAD v4.1: 828,665 of 1,528,232 alleles (54%); highest among the groups gnomAD compares: South Asian, 64%; 226,308 homozygotes.

Submission:

PreventionGenetics, part of Exact Sciences
Classification: Benign for FSIP2-related condition. Last evaluated: 2019-10-17. Review status: no assertion criteria provided. Collection method: clinical testing. Allele origin: germline.
Comment: This variant is classified as benign based on ACMG/AMP sequence variant interpretation guidelines (Richards et al. 2015 PMID: 25741868, with internal and published modifications).

NM_173651.4(FSIP2):c.5226C>A (p.Ser1742=)

Genes: FSIP2 (fibrous sheath interacting protein 2; plus strand), FSIP2-AS1 (FSIP2 antisense RNA 1; minus strand). Cytogenetic location: 2q32.1.
Variant type: single nucleotide variant.
Coding change: c.5226C>A on transcript NM_173651.4 (MANE Select); coding-DNA position 5226, C replaced by A.
Protein change: p.Ser1742=; no amino-acid change (serine 1742 retained).
Molecular consequence: synonymous variant.
Genome position (GRCh38, 1-based): chr2:185,792,362, C>A. VCF-style: chr2-185792362-C-A. GRCh37 (hg19) VCF-style: chr2-186657089-C-A.
Identifiers: ClinVar variation 3059835 (VCV003059835.2), dbSNP rs17229222, ClinGen allele CA2016692.
Genomic context (GRCh38, chr2:185,792,362, plus strand): 5'-ATCAGATTCATTTCTAGAAGATGATGCATATACAGCGAAAAAAATTATTGATGAGAGATC[C>A]CCACAAAGAGAAGAAGTGAAAACACGTTCTCTTAAACAATGGGCTCTCGAAAAAACCTTA-3'
Protein context (NP_775922.3, residues 1732-1752): YTAKKIIDER[Ser1742=]PQREEVKTRS